The following is an entry in ClinVar:

NM_000416.3(IFNGR1):c.1220A>C (p.His407Pro)

Gene: IFNGR1 (interferon gamma receptor 1; minus strand). Cytogenetic location: 6q23.3.
Variant type: single nucleotide variant.
Coding change: c.1220A>C on transcript NM_000416.3 (MANE Select); coding-DNA position 1220, A replaced by C.
Protein change: p.His407Pro; replaces histidine 407 with proline.
Molecular consequence: missense variant.
Genome position (GRCh38, 1-based): chr6:137,198,281, T>G on the plus strand (A>C on the coding strand, the complement: IFNGR1 is on the minus strand). VCF-style: chr6-137198281-T-G. GRCh37 (hg19) VCF-style: chr6-137519418-T-G.
Other names: c.1190A>C, p.His397Pro (NM_001363526.1); c.1097A>C, p.His366Pro (NM_001363527.1); short protein forms H397P, H366P, H407P.
Identifiers: ClinVar variation 1471147 (VCV001471147.8), dbSNP rs146842669, ClinGen allele CA4018794.

ClinVar aggregate classification (germline): Uncertain significance (1 of 4 stars; one submission).

Conditions:
Disseminated atypical mycobacterial infection. Identifiers: MedGen C0694566.

Allele frequency attached by ClinVar (database versions not stated): ESP Exome Variant Server 0.00015; gnomAD 0.00020; 1000 Genomes Project 30x 0.00031.
gnomAD v4.1: 58 of 1,613,938 alleles (0.0036%); highest among the groups gnomAD compares: African/African-American, 0.067%; 1 homozygote.

Submission:

Labcorp Genetics (formerly Invitae), Labcorp
Classification: Uncertain significance for Disseminated atypical mycobacterial infection. Last evaluated: 2024-01-25. Review status: criteria provided, single submitter. Criteria: Invitae Variant Classification Sherloc (09022015). Collection method: clinical testing. Allele origin: germline.
Comment: This sequence change replaces histidine, which is basic and polar, with proline, which is neutral and non-polar, at codon 407 of the IFNGR1 protein (p.His407Pro). This variant is present in population databases (rs146842669, gnomAD 0.05%). This variant has not been reported in the literature in individuals affected with IFNGR1-related conditions. ClinVar contains an entry for this variant (Variation ID: 1471147). An algorithm developed to predict the effect of missense changes on protein structure and function (PolyPhen-2) suggests that this variant is likely to be tolerated. In summary, the available evidence is currently insufficient to determine the role of this variant in disease. Therefore, it has been classified as a Variant of Uncertain Significance.